The following is an entry in ClinVar:

NM_000088.4(COL1A1):c.3517G>A (p.Asp1173Asn)

Gene: COL1A1 (collagen type I alpha 1 chain; minus strand). Cytogenetic location: 17q21.33.
Variant type: single nucleotide variant.
Coding change: c.3517G>A on transcript NM_000088.4 (MANE Select); coding-DNA position 3517, G replaced by A.
Protein change: p.Asp1173Asn; replaces aspartic acid 1173 with asparagine.
Molecular consequence: missense variant.
Genome position (GRCh38, 1-based): chr17:50,187,029, C>T on the plus strand (G>A on the coding strand, the complement: COL1A1 is on the minus strand). VCF-style: chr17-50187029-C-T. GRCh37 (hg19) VCF-style: chr17-48264390-C-T.
Other names: short protein forms D1173N.
Identifiers: ClinVar variation 3768544 (VCV003768544.1).

ClinVar aggregate classification (germline): Uncertain significance (1 of 4 stars; one submission).

Submission:

Women's Health and Genetics/Laboratory Corporation of America, LabCorp
Classification: Uncertain significance. Last evaluated: 2024-12-30. Review status: criteria provided, single submitter. Criteria: LabCorp Variant Classification Summary - May 2015. Collection method: clinical testing. Allele origin: germline.
Comment: Variant summary: COL1A1 c.3517G>A (p.Asp1173Asn) results in a conservative amino acid change in the encoded protein sequence. Three of five in-silico tools predict a damaging effect of the variant on protein function. The variant was absent in 249222 control chromosomes. The available data on variant occurrences in the general population are insufficient to allow any conclusion about variant significance. To our knowledge, no occurrence of c.3517G>A in individuals affected with Osteogenesis imperfecta type I and no experimental evidence demonstrating its impact on protein function have been reported. No submitters have cited clinical-significance assessments for this variant to ClinVar. Based on the evidence outlined above, the variant was classified as uncertain significance.